The following is an entry in ClinVar:

ClinVar aggregate classification (germline): Uncertain significance (1 of 4 stars; one submission).

Allele frequency attached by ClinVar (database versions not stated): TOPMed 0.00002; gnomAD 0.00003; ExAC 0.00006; 1000 Genomes Project 30x 0.00016; 1000 Genomes Project 0.00020.
gnomAD v4.1: 17 of 1,566,318 alleles (0.0011%); highest among the groups gnomAD compares: East Asian, 0.017%; no homozygotes.

Submission:

Labcorp Genetics (formerly Invitae), Labcorp
Classification: Uncertain significance. Last evaluated: 2025-08-10. Review status: criteria provided, single submitter. Criteria: Invitae Variant Classification Sherloc (09022015). Collection method: clinical testing. Allele origin: germline.
Comment: This sequence change replaces threonine, which is neutral and polar, with methionine, which is neutral and non-polar, at codon 92 of the RELB protein (p.Thr92Met). The frequency data for this variant in the population databases is considered unreliable, as metrics indicate poor data quality at this position in the gnomAD database. This variant has not been reported in the literature in individuals affected with RELB-related conditions. ClinVar contains an entry for this variant (Variation ID: 2200600). An algorithm developed to predict the effect of missense changes on protein structure and function (PolyPhen-2) suggests that this variant is likely to be disruptive. In summary, the available evidence is currently insufficient to determine the role of this variant in disease. Therefore, it has been classified as a Variant of Uncertain Significance.

NM_006509.4(RELB):c.275C>T (p.Thr92Met)

Gene: RELB (RELB proto-oncogene, NF-kB subunit; plus strand). Cytogenetic location: 19q13.32.
Variant type: single nucleotide variant.
Coding change: c.275C>T on transcript NM_006509.4 (MANE Select); coding-DNA position 275, C replaced by T.
Protein change: p.Thr92Met; replaces threonine 92 with methionine.
Molecular consequence: missense variant.
Genome position (GRCh38, 1-based): chr19:45,012,047, C>T. VCF-style: chr19-45012047-C-T. GRCh37 (hg19) VCF-style: chr19-45515305-C-T.
Other names: c.266C>T, p.Thr89Met (NM_001411087.1); short protein forms T89M, T92M.
Identifiers: ClinVar variation 2200600 (VCV002200600.4), dbSNP rs571786771, ClinGen allele CA9507524.